The following is an entry in ClinVar:

ClinVar aggregate classification (germline): Uncertain significance. Review status: criteria provided, multiple submitters, no conflicts (2 of 4 stars). 2 submissions from 2 submitters: Uncertain significance (2). Last evaluated 2025-12-16.

Conditions:
Inborn genetic diseases. Identifiers: MedGen C0950123, MeSH D030342.

Allele frequency attached by ClinVar (database versions not stated): gnomAD exomes below 0.00001; ExAC 0.00002; TOPMed 0.00003; ESP Exome Variant Server 0.00008.
gnomAD v4.1: 13 of 1,614,078 alleles (0.00081%); highest among the groups gnomAD compares: African/African-American, 0.017%; no homozygotes.

Submissions (2):

Labcorp Genetics (formerly Invitae), Labcorp
Classification: Uncertain significance. Last evaluated: 2025-12-16. Review status: criteria provided, single submitter. Criteria: Invitae Variant Classification Sherloc (09022015). Collection method: clinical testing. Allele origin: germline.
Comment: This sequence change replaces alanine, which is neutral and non-polar, with glycine, which is neutral and non-polar, at codon 148 of the LCT protein (p.Ala148Gly). This variant is present in population databases (rs376267150, gnomAD 0.02%). This variant has not been reported in the literature in individuals affected with LCT-related conditions. ClinVar contains an entry for this variant (Variation ID: 2303571). An algorithm developed to predict the effect of missense changes on protein structure and function (PolyPhen-2) suggests that this variant is likely to be tolerated. In summary, the available evidence is currently insufficient to determine the role of this variant in disease. Therefore, it has been classified as a Variant of Uncertain Significance.

Ambry Genetics
Classification: Uncertain significance for Inborn genetic diseases. Last evaluated: 2022-07-26. Review status: criteria provided, single submitter. Criteria: Ambry Variant Classification Scheme 2023. Collection method: clinical testing. Allele origin: germline.

NM_002299.4(LCT):c.443C>G (p.Ala148Gly)

Gene: LCT (lactase; minus strand). Cytogenetic location: 2q21.3.
Variant type: single nucleotide variant.
Coding change: c.443C>G on transcript NM_002299.4 (MANE Select); coding-DNA position 443, C replaced by G.
Protein change: p.Ala148Gly; replaces alanine 148 with glycine.
Molecular consequence: missense variant.
Genome position (GRCh38, 1-based): chr2:135,836,727, G>C on the plus strand (C>G on the coding strand, the complement: LCT is on the minus strand). VCF-style: chr2-135836727-G-C. GRCh37 (hg19) VCF-style: chr2-136594297-G-C.
Other names: short protein forms A148G.
Identifiers: ClinVar variation 2303571 (VCV002303571.3), dbSNP rs376267150, ClinGen allele CA1888633.